The following is an entry in ClinVar:

NM_001005361.3(DNM2):c.313A>T (p.Thr105Ser)

Gene: DNM2 (dynamin 2; plus strand). Cytogenetic location: 19p13.2.
Variant type: single nucleotide variant.
Coding change: c.313A>T on transcript NM_001005361.3 (MANE Select); coding-DNA position 313, A replaced by T.
Protein change: p.Thr105Ser; replaces threonine 105 with serine.
Molecular consequence: missense variant.
Genome position (GRCh38, 1-based): chr19:10,772,556, A>T. VCF-style: chr19-10772556-A-T. GRCh37 (hg19) VCF-style: chr19-10883232-A-T.
Other names: c.313A>T, p.Thr105Ser (NM_001005360.3, NM_001005362.3, NM_001190716.2 and 1 more transcripts); short protein forms T105S.
Identifiers: ClinVar variation 2830664 (VCV002830664.3), dbSNP rs2513139841, ClinGen allele CA404041822.

ClinVar aggregate classification (germline): Uncertain significance (1 of 4 stars; one submission).

Conditions:
Charcot-Marie-Tooth disease dominant intermediate B (CMTDIB). Also called: Charcot-Marie-Tooth disease dominant intermediate 1; CMT DI1; Charcot-Marie-Tooth disease dominant intermediate I; CHARCOT-MARIE-TOOTH NEUROPATHY, DOMINANT INTERMEDIATE B. Identifiers: Orphanet 100044, Orphanet 228179, MedGen C1847902, MONDO:0011674, OMIM 606482.

Submission:

Labcorp Genetics (formerly Invitae), Labcorp
Classification: Uncertain significance for Charcot-Marie-Tooth disease dominant intermediate B. Last evaluated: 2024-01-02. Review status: criteria provided, single submitter. Criteria: Invitae Variant Classification Sherloc (09022015). Collection method: clinical testing. Allele origin: germline.
Comment: This sequence change replaces threonine, which is neutral and polar, with serine, which is neutral and polar, at codon 105 of the DNM2 protein (p.Thr105Ser). This variant is not present in population databases (gnomAD no frequency). This variant has not been reported in the literature in individuals affected with DNM2-related conditions. Advanced modeling of protein sequence and biophysical properties (such as structural, functional, and spatial information, amino acid conservation, physicochemical variation, residue mobility, and thermodynamic stability) has been performed at Invitae for this missense variant, however the output from this modeling did not meet the statistical confidence thresholds required to predict the impact of this variant on DNM2 protein function. In summary, the available evidence is currently insufficient to determine the role of this variant in disease. Therefore, it has been classified as a Variant of Uncertain Significance.